The following is an entry in ClinVar:

ClinVar aggregate classification (germline): Likely benign. Review status: criteria provided, multiple submitters, no conflicts (2 of 4 stars). 2 submissions from 2 submitters: Likely benign (2). Last evaluated 2026-08-01.

Allele frequency attached by ClinVar (database versions not stated): 1000 Genomes Project 30x 0.00016; 1000 Genomes Project 0.00020; ESP Exome Variant Server 0.00108; TOPMed 0.00109; gnomAD exomes 0.00150; gnomAD 0.00175; ExAC 0.00199.
gnomAD v4.1: 2,275 of 1,493,652 alleles (0.15%); highest among the groups gnomAD compares: Non-Finnish European, 0.15%; 3 homozygotes.

Submissions (4):

CeGaT Center for Human Genetics Tuebingen
Classification: Likely benign. Last evaluated: 2026-08-01. Review status: criteria provided, single submitter. Criteria: CeGaT Center For Human Genetics Tuebingen Variant Classification Criteria Version 2. Collection method: clinical testing. Allele origin: germline. Affected: yes. Observed: 2 variant alleles.
Comment: ALKBH8: BP4, BS2

Blueprint Genetics
Classification: Likely benign. Last evaluated: 2024-11-26. Review status: criteria provided, single submitter. Criteria: ACMG Guidelines, 2015. Collection method: clinical testing. Allele origin: germline.

Dr. Peter K. Rogan Lab, Western University
No classification provided (evidence only). Condition: Melanoma. Review status: no classification provided. Collection method: in vitro. Allele origin: not applicable. Functional consequence: retained intron. Not counted in ClinVar's aggregate classification.

Dr. Peter K. Rogan Lab, Western University
No classification provided (evidence only). Condition: Gastric cancer. Review status: no classification provided. Collection method: in vitro. Allele origin: not applicable. Functional consequence: retained intron. Not counted in ClinVar's aggregate classification.

NM_138775.3(ALKBH8):c.316G>A (p.Val106Met)

Gene: ALKBH8 (alkB homolog 8, tRNA methyltransferase; minus strand). Cytogenetic location: 11q22.3.
Variant type: single nucleotide variant.
Coding change: c.316G>A on transcript NM_138775.3 (MANE Select); coding-DNA position 316, G replaced by A.
Protein change: p.Val106Met; replaces valine 106 with methionine.
Molecular consequence: missense variant. On other transcripts: non-coding transcript variant (6).
Genome position (GRCh38, 1-based): chr11:107,556,817, C>T on the plus strand (G>A on the coding strand, the complement: ALKBH8 is on the minus strand). VCF-style: chr11-107556817-C-T. GRCh37 (hg19) VCF-style: chr11-107427543-C-T.
Other names: NC_000011.9:g.107427543C>T; c.316G>A, p.Val106Met (NM_001301010.3, NM_001378133.1); short protein forms V106M.
Identifiers: ClinVar variation 3239032 (VCV003239032.21), dbSNP rs151317361.
Genomic context (GRCh38, chr11:107,556,817, plus strand): 5'-TGATAATACCTTTTTCCACAAAATTCAAATACAGAGTGATCTTTTGTCCTAAATCATCCA[C>T]TACTTCTTTTCCATTGAGGGTAACATAGGCTCTCTTAGATTCTTCTGTAGTTCTGTATCT-3'
Protein context (NP_620130.2, residues 96-116): AYVTLNGKEV[Val106Met]DDLGQKITLY